The following is an entry in ClinVar:

ClinVar aggregate classification (germline): Uncertain significance. Review status: criteria provided, multiple submitters, no conflicts (2 of 4 stars). 2 submissions from 2 submitters: Uncertain significance (2). Last evaluated 2025-02-02.

Allele frequency attached by ClinVar (database versions not stated): ExAC 0.00002.
gnomAD v4.1: 9 of 1,612,548 alleles (0.00056%); highest among the groups gnomAD compares: South Asian, 0.0099%; no homozygotes.

Submissions (2):

Labcorp Genetics (formerly Invitae), Labcorp
Classification: Uncertain significance. Last evaluated: 2025-02-02. Review status: criteria provided, single submitter. Criteria: Invitae Variant Classification Sherloc (09022015). Collection method: clinical testing. Allele origin: germline.
Comment: This sequence change replaces glutamine, which is neutral and polar, with lysine, which is basic and polar, at codon 958 of the A2ML1 protein (p.Gln958Lys). This variant is present in population databases (rs759945941, gnomAD 0.01%). This variant has not been reported in the literature in individuals affected with A2ML1-related conditions. ClinVar contains an entry for this variant (Variation ID: 1797064). An algorithm developed to predict the effect of missense changes on protein structure and function outputs the following: PolyPhen-2: "Benign". The lysine amino acid residue is found in multiple mammalian species, which suggests that this missense change does not adversely affect protein function. In summary, the available evidence is currently insufficient to determine the role of this variant in disease. Therefore, it has been classified as a Variant of Uncertain Significance.

Ambry Genetics
Classification: Uncertain significance. Last evaluated: 2022-03-09. Review status: criteria provided, single submitter. Criteria: Ambry Variant Classification Scheme 2023. Collection method: clinical testing. Allele origin: germline.
Comment: The p.Q958K variant (also known as c.2872C>A), located in coding exon 24 of the A2ML1 gene, results from a C to A substitution at nucleotide position 2872. The glutamine at codon 958 is replaced by lysine, an amino acid with similar properties. This amino acid position is conserved. In addition, this alteration is predicted to be tolerated by in silico analysis. Since supporting evidence is limited at this time, the clinical significance of this alteration remains unclear.

NM_144670.6(A2ML1):c.2872C>A (p.Gln958Lys)

Gene: A2ML1 (alpha-2-macroglobulin like 1; plus strand). Cytogenetic location: 12p13.31.
Variant type: single nucleotide variant.
Coding change: c.2872C>A on transcript NM_144670.6 (MANE Select); coding-DNA position 2872, C replaced by A.
Protein change: p.Gln958Lys; replaces glutamine 958 with lysine.
Molecular consequence: missense variant.
Genome position (GRCh38, 1-based): chr12:8,857,187, C>A. VCF-style: chr12-8857187-C-A. GRCh37 (hg19) VCF-style: chr12-9009783-C-A.
Other names: c.1399C>A, p.Gln467Lys (NM_001282424.3); short protein forms Q467K, Q958K.
Identifiers: ClinVar variation 1797064 (VCV001797064.3), dbSNP rs759945941, ClinGen allele CA6436190.